The following is an entry in ClinVar:

NM_001292063.2(OTOG):c.3458G>C (p.Arg1153Pro)

Gene: OTOG (otogelin; plus strand). Cytogenetic location: 11p15.1.
Variant type: single nucleotide variant.
Coding change: c.3458G>C on transcript NM_001292063.2 (MANE Select); coding-DNA position 3458, G replaced by C.
Protein change: p.Arg1153Pro; replaces arginine 1153 with proline.
Molecular consequence: missense variant.
Genome position (GRCh38, 1-based): chr11:17,596,087, G>C. VCF-style: chr11-17596087-G-C. GRCh37 (hg19) VCF-style: chr11-17617634-G-C.
Other names: c.3494G>C, p.Arg1165Pro (NM_001277269.2); short protein forms R1153P, R1165P.
Identifiers: ClinVar variation 2135431 (VCV002135431.4), dbSNP rs753050195, ClinGen allele CA379785510.

ClinVar aggregate classification (germline): Uncertain significance (1 of 4 stars; one submission).

Submission:

Labcorp Genetics (formerly Invitae), Labcorp
Classification: Uncertain significance. Last evaluated: 2022-05-08. Review status: criteria provided, single submitter. Criteria: Invitae Variant Classification Sherloc (09022015). Collection method: clinical testing. Allele origin: germline.
Comment: In summary, the available evidence is currently insufficient to determine the role of this variant in disease. Therefore, it has been classified as a Variant of Uncertain Significance. Algorithms developed to predict the effect of missense changes on protein structure and function (SIFT, PolyPhen-2, Align-GVGD) all suggest that this variant is likely to be disruptive. This variant has not been reported in the literature in individuals affected with OTOG-related conditions. This variant is not present in population databases (gnomAD no frequency). This sequence change replaces arginine, which is basic and polar, with proline, which is neutral and non-polar, at codon 1165 of the OTOG protein (p.Arg1165Pro).